The following is an entry in ClinVar:

ClinVar aggregate classification (germline): Uncertain significance. Review status: criteria provided, multiple submitters, no conflicts (2 of 4 stars). 2 submissions from 2 submitters: Uncertain significance (2). Last evaluated 2025-06-09.

Conditions:
Inborn genetic diseases. Identifiers: MedGen C0950123, MeSH D030342.

Submissions (2):

GeneDx
Classification: Uncertain significance. Last evaluated: 2025-06-09. Review status: criteria provided, single submitter. Criteria: GeneDx Variant Classification Process June 2021. Collection method: clinical testing. Allele origin: germline. Affected: yes.
Comment: In silico analysis supports that this missense variant has a deleterious effect on protein structure/function; In silico analysis is inconclusive as to whether the variant alters gene splicing. In the absence of RNA/functional studies, the actual effect of this sequence change is unknown.; Has not been previously published as pathogenic or benign to our knowledge

Ambry Genetics
Classification: Uncertain significance for Inborn genetic diseases. Last evaluated: 2024-03-30. Review status: criteria provided, single submitter. Criteria: Ambry Variant Classification Scheme 2023. Collection method: clinical testing. Allele origin: germline.

NM_005458.8(GABBR2):c.2011G>A (p.Gly671Ser)

Gene: GABBR2 (gamma-aminobutyric acid type B receptor subunit 2; minus strand). Cytogenetic location: 9q22.33.
Variant type: single nucleotide variant.
Coding change: c.2011G>A on transcript NM_005458.8 (MANE Select); coding-DNA position 2011, G replaced by A.
Protein change: p.Gly671Ser; replaces glycine 671 with serine.
Molecular consequence: missense variant.
Genome position (GRCh38, 1-based): chr9:98,306,339, C>T on the plus strand (G>A on the coding strand, the complement: GABBR2 is on the minus strand). VCF-style: chr9-98306339-C-T. GRCh37 (hg19) VCF-style: chr9-101068621-C-T.
Other names: short protein forms G671S.
Identifiers: ClinVar variation 3280380 (VCV003280380.2).